The following is an entry in ClinVar:

ClinVar aggregate classification (germline): Uncertain significance (1 of 4 stars; one submission).

Conditions:
Breast-ovarian cancer, familial, susceptibility to, 2 (BROVCA2). Also called: BRCA2 Hereditary Breast and Ovarian Cancer. Identifiers: Orphanet 145, MedGen C2675520, MONDO:0012933, OMIM 612555. Disease mechanism: loss of function.

Submission:

All of Us Research Program, National Institutes of Health
Classification: Uncertain significance for Breast-ovarian cancer, familial, susceptibility to, 2. Last evaluated: 2023-05-16. Review status: criteria provided, single submitter. Criteria: ACMG Guidelines, 2015. Collection method: clinical testing. Allele origin: germline. Inheritance: Autosomal dominant inheritance. Observed: 1 variant allele, 1 heterozygote.
Comment: This missense variant replaces cysteine with phenylalanine at codon 1853 of the BRCA2 protein. Computational prediction suggests that this variant may not impact protein structure and function (internally defined REVEL score threshold <= 0.5, PMID: 27666373). To our knowledge, functional studies have not been reported for this variant. This variant has not been reported in individuals affected with hereditary cancer in the literature. This variant has not been identified in the general population by the Genome Aggregation Database (gnomAD). The available evidence is insufficient to determine the role of this variant in disease conclusively. Therefore, this variant is classified as a Variant of Uncertain Significance.

This study involves interpretation of variants in research participants for the purpose of population health screening. Participant phenotype was not available at the time of variant classification. Additional details can be found in publication PMID: 35346344, PMCID: PMC8962531

NM_000059.4(BRCA2):c.5558G>T (p.Cys1853Phe)

Gene: BRCA2 (BRCA2 DNA repair associated; plus strand). Cytogenetic location: 13q13.1.
Variant type: single nucleotide variant.
Coding change: c.5558G>T on transcript NM_000059.4 (MANE Select); coding-DNA position 5558, G replaced by T.
Protein change: p.Cys1853Phe; replaces cysteine 1853 with phenylalanine.
Molecular consequence: missense variant. On other transcripts: non-coding transcript variant (1), intron variant (2).
Genome position (GRCh38, 1-based): chr13:32,339,913, G>T. VCF-style: chr13-32339913-G-T. GRCh37 (hg19) VCF-style: chr13-32914050-G-T.
Other names: c.5558G>T, p.Cys1853Phe (NM_001406719.1, NM_001406720.1); c.1910-4645G>T (NM_001406721.1); c.425-4645G>T (NM_001406722.1); short protein forms C1853F.
Identifiers: ClinVar variation 3075630 (VCV003075630.1), dbSNP rs2072532051, ClinGen allele CA387785970.